The following is an entry in ClinVar:

ClinVar aggregate classification (germline): Uncertain significance (1 of 4 stars; one submission).

Conditions:
Fanconi anemia (FA). Also called: Fanconi's anemia. Identifiers: Orphanet 84, MedGen C0015625, MeSH D005199, MONDO:0019391.

gnomAD v4.1: 1 of 1,614,222 alleles (0.000062%); highest among the groups gnomAD compares: Non-Finnish European, 0.000085%; no homozygotes.

Submission:

Labcorp Genetics (formerly Invitae), Labcorp
Classification: Uncertain significance for Fanconi anemia. Last evaluated: 2024-04-11. Review status: criteria provided, single submitter. Criteria: Invitae Variant Classification Sherloc (09022015). Collection method: clinical testing. Allele origin: germline.
Comment: This sequence change replaces asparagine, which is neutral and polar, with lysine, which is basic and polar, at codon 154 of the FANCF protein (p.Asn154Lys). This variant is not present in population databases (gnomAD no frequency). This variant has not been reported in the literature in individuals affected with FANCF-related conditions. ClinVar contains an entry for this variant (Variation ID: 2131272). Advanced modeling of protein sequence and biophysical properties (such as structural, functional, and spatial information, amino acid conservation, physicochemical variation, residue mobility, and thermodynamic stability) performed at Invitae indicates that this missense variant is not expected to disrupt FANCF protein function with a negative predictive value of 80%. In summary, the available evidence is currently insufficient to determine the role of this variant in disease. Therefore, it has been classified as a Variant of Uncertain Significance.

NM_022725.4(FANCF):c.462C>A (p.Asn154Lys)

Gene: FANCF (FA complementation group F; minus strand). Cytogenetic location: 11p14.3.
Variant type: single nucleotide variant.
Coding change: c.462C>A on transcript NM_022725.4 (MANE Select); coding-DNA position 462, C replaced by A.
Protein change: p.Asn154Lys; replaces asparagine 154 with lysine.
Molecular consequence: missense variant.
Genome position (GRCh38, 1-based): chr11:22,625,349, G>T on the plus strand (C>A on the coding strand, the complement: FANCF is on the minus strand). VCF-style: chr11-22625349-G-T. GRCh37 (hg19) VCF-style: chr11-22646895-G-T.
Other names: short protein forms N154K.
Identifiers: ClinVar variation 2131272 (VCV002131272.4), dbSNP rs2133797693, ClinGen allele CA380059002.